The following is an entry in ClinVar:

NM_001077620.3(PRCD):c.*1405C>T

Genes: CYGB (cytoglobin; minus strand), PRCD (photoreceptor disc component; plus strand). Cytogenetic location: 17q25.1.
Variant type: single nucleotide variant.
Coding change: c.*1405C>T on transcript NM_001077620.3 (MANE Select); 1405 bases downstream of the stop codon, C replaced by T.
Molecular consequence: 3 prime UTR variant. On other transcripts: non-coding transcript variant (1).
Genome position (GRCh38, 1-based): chr17:76,545,055, C>T. VCF-style: chr17-76545055-C-T. GRCh37 (hg19) VCF-style: chr17-74541137-C-T.
Identifiers: ClinVar variation 325500 (VCV000325500.6), dbSNP rs4648339, ClinGen allele CA8788074.

ClinVar aggregate classification (germline): Benign. Review status: criteria provided, multiple submitters, no conflicts (2 of 4 stars). 2 submissions from 2 submitters: Benign (2). Last evaluated 2018-01-13.

Conditions:
Retinitis pigmentosa (RP). Identifiers: Orphanet 791, MedGen C0035334, MeSH D012174, MONDO:0019200, OMIM 268000. Inheritance: Autosomal dominant, autosomal recessive and X linked inheritance.

Allele frequency attached by ClinVar (database versions not stated): gnomAD exomes 0.23971; gnomAD 0.27446; TOPMed 0.28800; 1000 Genomes Project 0.30651; 1000 Genomes Project 30x 0.31996; ExAC 0.34027.

Submissions (2):

Illumina Laboratory Services, Illumina
Classification: Benign for Retinitis pigmentosa. Last evaluated: 2018-01-13. Review status: criteria provided, single submitter. Criteria: ICSL Variant Classification Criteria 13 December 2019. Collection method: clinical testing. Allele origin: germline.
Comment: This variant was observed in the ICSL laboratory as part of a predisposition screen in an ostensibly healthy population. It had not been previously curated by ICSL or reported in the Human Gene Mutation Database (HGMD: prior to June 1st, 2018), and was therefore a candidate for classification through an automated scoring system. Utilizing variant allele frequency, disease prevalence and penetrance estimates, and inheritance mode, an automated score was calculated to assess if this variant is too frequent to cause the disease. Based on the score and internal cut-off values, a variant classified as benign is not then subjected to further curation. The score for this variant resulted in a classification of benign for this disease.

Breakthrough Genomics
Classification: Benign. Review status: criteria provided, single submitter. Criteria: ACMG Guidelines, 2015. Collection method: not provided. Allele origin: germline. Inheritance: Unknown mechanism. Affected: yes.